The following is an entry in ClinVar:

NM_001173990.3(TMEM216):c.14G>T (p.Gly5Val)

Gene: TMEM216 (transmembrane protein 216; plus strand). Cytogenetic location: 11q12.2.
Variant type: single nucleotide variant.
Coding change: c.14G>T on transcript NM_001173990.3 (MANE Select); coding-DNA position 14, G replaced by T.
Protein change: p.Gly5Val; replaces glycine 5 with valine.
Molecular consequence: missense variant. On other transcripts: 5 prime UTR variant (2).
Genome position (GRCh38, 1-based): chr11:61,392,645, G>T. VCF-style: chr11-61392645-G-T. GRCh37 (hg19) VCF-style: chr11-61160117-G-T.
Other names: c.14G>T, p.Gly5Val (NM_001173991.3); c.-184G>T (NM_001330285.2, NM_016499.6); short protein forms G5V.
Identifiers: ClinVar variation 1442020 (VCV001442020.8), dbSNP rs373854580, ClinGen allele CA380684478.

ClinVar aggregate classification (germline): Uncertain significance (1 of 4 stars; one submission).

Conditions:
Joubert syndrome. Also called: CEREBELLOPARENCHYMAL DISORDER IV; JOUBERT-BOLTSHAUSER SYNDROME; Familial aplasia of the vermis. Identifiers: Orphanet 475, MedGen C5979921, MONDO:0018772.

Allele frequency attached by ClinVar (database versions not stated): gnomAD exomes 0.00001.
gnomAD v4.1: 3 of 1,536,106 alleles (0.0002%); highest among the groups gnomAD compares: South Asian, 0.0024%; no homozygotes.

Submission:

Labcorp Genetics (formerly Invitae), Labcorp
Classification: Uncertain significance for Joubert syndrome. Last evaluated: 2022-10-18. Review status: criteria provided, single submitter. Criteria: Invitae Variant Classification Sherloc (09022015). Collection method: clinical testing. Allele origin: germline.
Comment: This sequence change replaces glycine, which is neutral and non-polar, with valine, which is neutral and non-polar, at codon 5 of the TMEM216 protein (p.Gly5Val). This variant is present in population databases (no rsID available, gnomAD 0.004%). This variant has not been reported in the literature in individuals affected with TMEM216-related conditions. ClinVar contains an entry for this variant (Variation ID: 1442020). Algorithms developed to predict the effect of missense changes on protein structure and function are either unavailable or do not agree on the potential impact of this missense change (SIFT: "Deleterious"; PolyPhen-2: "Benign"; Align-GVGD: "Class C0"). In summary, the available evidence is currently insufficient to determine the role of this variant in disease. Therefore, it has been classified as a Variant of Uncertain Significance.